The following is an entry in ClinVar:

ClinVar aggregate classification (germline): Uncertain significance. Review status: criteria provided, multiple submitters, no conflicts (2 of 4 stars). 2 submissions from 2 submitters: Uncertain significance (2). Last evaluated 2025-03-24.

gnomAD v4.1: 64 of 1,614,190 alleles (0.004%); highest among the groups gnomAD compares: Non-Finnish European, 0.0054%; no homozygotes.

Submissions (2):

Mayo Clinic Laboratories, Mayo Clinic
Classification: Uncertain significance. Last evaluated: 2025-03-24. Review status: criteria provided, single submitter. Criteria: ACMG Guidelines, 2015. Collection method: clinical testing. Allele origin: germline. Observed: 1 variant allele.
Comment: BP4_moderate

Ambry Genetics
Classification: Uncertain significance. Last evaluated: 2024-07-26. Review status: criteria provided, single submitter. Criteria: Ambry Variant Classification Scheme 2023. Collection method: clinical testing. Allele origin: germline.

NM_004563.4(PCK2):c.1616A>G (p.Glu539Gly)

Genes: NRL (neural retina leucine zipper; minus strand), PCK2 (phosphoenolpyruvate carboxykinase 2, mitochondrial; plus strand). Cytogenetic location: 14q12.
Variant type: single nucleotide variant.
Coding change: c.1616A>G on transcript NM_004563.4 (MANE Select); coding-DNA position 1616, A replaced by G.
Protein change: p.Glu539Gly; replaces glutamic acid 539 with glycine.
Molecular consequence: missense variant. On other transcripts: intron variant (3).
Genome position (GRCh38, 1-based): chr14:24,103,657, A>G. VCF-style: chr14-24103657-A-G. GRCh37 (hg19) VCF-style: chr14-24572866-A-G.
Other names: p.Glu539Gly; c.1214A>G, p.Glu405Gly (NM_001291556.2, NM_001308054.2); c.-28+11065T>C (NM_001354768.3, NM_001354770.2); c.-254+11065T>C (NM_006177.5); short protein forms E405G, E539G.
Identifiers: ClinVar variation 3415737 (VCV003415737.2).